The following is an entry in ClinVar:

ClinVar aggregate classification (germline): Uncertain significance. Review status: criteria provided, multiple submitters, no conflicts (2 of 4 stars). 4 submissions from 4 submitters: Uncertain significance (4). Last evaluated 2025-02-26.

Conditions:
Charcot-Marie-Tooth disease type 2. Also called: Charcot-Marie-Tooth type 2. Identifiers: Orphanet 64746, MedGen C0270914, MONDO:0018993.

Allele frequency attached by ClinVar (database versions not stated): ESP Exome Variant Server 0.00008.
gnomAD v4.1: 9 of 1,613,978 alleles (0.00056%); highest among the groups gnomAD compares: Non-Finnish European, 0.00068%; no homozygotes.

Submissions (4):

ARUP Laboratories, Molecular Genetics and Genomics, ARUP Laboratories
Classification: Uncertain significance. Last evaluated: 2025-02-26. Review status: criteria provided, single submitter. Criteria: ARUP Molecular Germline Variant Investigation Process 2024. Collection method: clinical testing. Allele origin: germline.
Comment: The GARS1 c.1171C>A; p.Arg391Ser variant (rs370057212), to our knowledge, is not reported in the medical literature but is reported in ClinVar (Variation ID: 1053030). This variant is only observed on two alleles in the Genome Aggregation Database (v2.1.1), indicating it is not a common polymorphism. Additionally, other amino acid substitutions at this codon (p.Arg391His, p.Arg391Cys, p.Arg391Leu) have been reported in individuals with neuropathy or clinical suspicion of Charcot-Marie-Tooth disease, although their clinical significance in these individuals was uncertain (Sharma 2022, Sivera 2013, Volodarsky 2021). Computational analyses are uncertain whether the p.Arg391Ser variant is neutral or deleterious (REVEL: 0.334). Due to limited information, the clinical significance of this variant is uncertain at this time. References: Sharma S et al. Genetic Spectrum of Inherited Neuropathies in India. Ann Indian Acad Neurol. 2022 May-Jun;25(3):407-416. PMID: 35936615. Sivera R et al. Charcot-Marie-Tooth disease: genetic and clinical spectrum in a Spanish clinical series. Neurology. 2013 Oct 29;81(18):1617-25. PMID: 24078732. Volodarsky M et al. Comprehensive genetic sequence and copy number analysis for Charcot-Marie-Tooth disease in a Canadian cohort of 2517 patients. J Med Genet. 2021 Apr;58(4):284-288. PMID: 32376792.

Labcorp Genetics (formerly Invitae), Labcorp
Classification: Uncertain significance for Charcot-Marie-Tooth disease type 2. Last evaluated: 2024-06-15. Review status: criteria provided, single submitter. Criteria: Invitae Variant Classification Sherloc (09022015). Collection method: clinical testing. Allele origin: germline.
Comment: This sequence change replaces arginine, which is basic and polar, with serine, which is neutral and polar, at codon 391 of the GARS protein (p.Arg391Ser). This variant is present in population databases (rs370057212, gnomAD 0.003%). This missense change has been observed in individual(s) with GARS-related conditions (Invitae). ClinVar contains an entry for this variant (Variation ID: 1053030). Advanced modeling of protein sequence and biophysical properties (such as structural, functional, and spatial information, amino acid conservation, physicochemical variation, residue mobility, and thermodynamic stability) performed at Invitae indicates that this missense variant is not expected to disrupt GARS protein function with a negative predictive value of 95%. In summary, the available evidence is currently insufficient to determine the role of this variant in disease. Therefore, it has been classified as a Variant of Uncertain Significance.

Women's Health and Genetics/Laboratory Corporation of America, LabCorp
Classification: Uncertain significance. Last evaluated: 2023-12-15. Review status: criteria provided, single submitter. Criteria: LabCorp Variant Classification Summary - May 2015. Collection method: clinical testing. Allele origin: germline.
Comment: Variant summary: GARS1 c.1171C>A (p.Arg391Ser) results in a non-conservative amino acid change located in the aminoacyl-tRNA synthetase, class II domain (IPR006195) of the encoded protein sequence. Three of five in-silico tools predict a benign effect of the variant on protein function.The variant allele was found at a frequency of 8e-06 in 249502 control chromosomes (gnomAD). The available data on variant occurrences in the general population are insufficient to allow any conclusion about variant significance. To our knowledge, no occurrence of c.1171C>A in individuals affected with GARS1-Related Disorders and no experimental evidence demonstrating its impact on protein function have been reported. Two submitters have cited clinical-significance assessments for this variant to ClinVar after 2014. Both submitters classified the variant as uncertain significance. Based on the evidence outlined above, the variant was classified as uncertain significance.

Athena Diagnostics
Classification: Uncertain significance. Last evaluated: 2022-03-30. Review status: criteria provided, single submitter. Criteria: Athena Diagnostics Criteria. Collection method: clinical testing. Allele origin: unknown.

NM_002047.4(GARS1):c.1171C>A (p.Arg391Ser)

Gene: GARS1 (glycyl-tRNA synthetase 1; plus strand). Cytogenetic location: 7p14.3.
Variant type: single nucleotide variant.
Coding change: c.1171C>A on transcript NM_002047.4 (MANE Select); coding-DNA position 1171, C replaced by A.
Protein change: p.Arg391Ser; replaces arginine 391 with serine.
Molecular consequence: missense variant.
Genome position (GRCh38, 1-based): chr7:30,616,035, C>A. VCF-style: chr7-30616035-C-A. GRCh37 (hg19) VCF-style: chr7-30655651-C-A.
Other names: c.1009C>A, p.Arg337Ser (NM_001316772.1); short protein forms R337S, R391S.
Identifiers: ClinVar variation 1053030 (VCV001053030.12), dbSNP rs370057212, ClinGen allele CA4205909.